The following is an entry in ClinVar:

ClinVar aggregate classification (germline): Uncertain significance (1 of 4 stars; one submission).

Conditions:
Catecholaminergic polymorphic ventricular tachycardia 1. Also called: RYR2-Related Catecholaminergic Polymorphic Ventricular Tachycardia; VENTRICULAR TACHYCARDIA, STRESS-INDUCED POLYMORPHIC 1; VENTRICULAR TACHYCARDIA, CATECHOLAMINERGIC POLYMORPHIC, 1, WITH OR WITHOUT ATRIAL DYSFUNCTION AND/OR DILATED CARDIOMYOPATHY. Identifiers: Orphanet 3286, MedGen C1631597, MONDO:0011484, OMIM 604772.

gnomAD v4.1: 3 of 1,543,644 alleles (0.00019%); highest among the groups gnomAD compares: African/African-American, 0.0027%; no homozygotes.

Submission:

Labcorp Genetics (formerly Invitae), Labcorp
Classification: Uncertain significance for Catecholaminergic polymorphic ventricular tachycardia 1. Last evaluated: 2021-03-23. Review status: criteria provided, single submitter. Criteria: Invitae Variant Classification Sherloc (09022015). Collection method: clinical testing. Allele origin: germline.
Comment: This variant is not present in population databases (ExAC no frequency). This sequence change affects codon 3645 of the RYR2 mRNA. It is a 'silent' change, meaning that it does not change the encoded amino acid sequence of the RYR2 protein. It affects a nucleotide within the consensus splice site of the intron. This variant has not been reported in the literature in individuals with RYR2-related conditions. In summary, the available evidence is currently insufficient to determine the role of this variant in disease. Therefore, it has been classified as a Variant of Uncertain Significance. Algorithms developed to predict the effect of sequence changes on RNA splicing suggest that this variant may create or strengthen a splice site, but this prediction has not been confirmed by published transcriptional studies.

NM_001035.3(RYR2):c.10935A>G (p.Ala3645=)

Gene: RYR2 (ryanodine receptor 2; plus strand). Cytogenetic location: 1q43.
Variant type: single nucleotide variant.
Coding change: c.10935A>G on transcript NM_001035.3 (MANE Select); coding-DNA position 10935, A replaced by G.
Protein change: p.Ala3645=; no amino-acid change (alanine 3645 retained).
Molecular consequence: synonymous variant.
Genome position (GRCh38, 1-based): chr1:237,730,356, A>G. VCF-style: chr1-237730356-A-G. GRCh37 (hg19) VCF-style: chr1-237893656-A-G.
Identifiers: ClinVar variation 1415758 (VCV001415758.9), dbSNP rs770623086, ClinGen allele CA423820905.